The following is an entry in ClinVar:

NC_000014.8:g.(?_58711639)_(59014694_?)del

Genes: ARID4A (AT-rich interaction domain 4A; plus strand), KIAA0586 (KIAA0586; plus strand), PSMA3 (proteasome 20S subunit alpha 3; plus strand), TIMM9 (translocase of inner mitochondrial membrane 9; minus strand), TOMM20L (translocase of outer mitochondrial membrane 20 like; plus strand). Cytogenetic location: 14q23.1.
Variant type: Deletion.
Identifiers: ClinVar variation 1458692 (VCV001458692.4).

ClinVar aggregate classification (germline): Pathogenic (1 of 4 stars; one submission).

Conditions:
Joubert syndrome 23 (JBTS23). Identifiers: Orphanet 475, MedGen C4084822, MONDO:0014664, OMIM 616490.
Short-rib thoracic dysplasia 14 with polydactyly (SRTD14). Identifiers: Orphanet 397715, MedGen C4225286, MONDO:0014688, OMIM 616546.

Submission:

Labcorp Genetics (formerly Invitae), Labcorp
Classification: Pathogenic for Joubert syndrome 23; Short-rib thoracic dysplasia 14 with polydactyly. Last evaluated: 2021-09-09. Review status: criteria provided, single submitter. Criteria: Invitae Variant Classification Sherloc (09022015). Collection method: clinical testing. Allele origin: germline.
Comment: For these reasons, this variant has been classified as Pathogenic. This variant has not been reported in the literature in individuals affected with KIAA0586-related conditions. A gross deletion of the genomic region encompassing the full coding sequence of the KIAA0586 gene has been identified. Loss-of-function variants in KIAA0586 are known to be pathogenic (PMID: 26096313, 26166481, 26386044). The boundaries of this event are unknown as they extend beyond the assayed region for this gene and therefore may encompass additional genes.

Literature cited by the submitters: PubMed 26096313; PubMed 26166481; PubMed 26386044.